The following is an entry in ClinVar:

NM_003327.4(TNFRSF4):c.239C>T (p.Pro80Leu)

Gene: TNFRSF4 (TNF receptor superfamily member 4; minus strand). Cytogenetic location: 1p36.33.
Variant type: single nucleotide variant.
Coding change: c.239C>T on transcript NM_003327.4 (MANE Select); coding-DNA position 239, C replaced by T.
Protein change: p.Pro80Leu; replaces proline 80 with leucine.
Molecular consequence: missense variant.
Genome position (GRCh38, 1-based): chr1:1,213,692, G>A on the plus strand (C>T on the coding strand, the complement: TNFRSF4 is on the minus strand). VCF-style: chr1-1213692-G-A. GRCh37 (hg19) VCF-style: chr1-1149072-G-A.
Other names: c.239C>T (NM_003327.3); short protein forms P80L.
Identifiers: ClinVar variation 1003348 (VCV001003348.9), dbSNP rs757655414, ClinGen allele CA512611.

ClinVar aggregate classification (germline): Uncertain significance. Review status: criteria provided, multiple submitters, no conflicts (2 of 4 stars). 2 submissions from 2 submitters: Uncertain significance (2). Last evaluated 2024-11-04.

Conditions:
Combined immunodeficiency due to OX40 deficiency. Also called: Immunodeficiency 16; OX40 DEFICIENCY. Identifiers: Orphanet 431149, MedGen C3810053, MONDO:0014268, OMIM 615593.

Allele frequency attached by ClinVar (database versions not stated): gnomAD exomes 0.00002; TOPMed 0.00002; gnomAD 0.00001.

Submissions (2):

Labcorp Genetics (formerly Invitae), Labcorp
Classification: Uncertain significance for Combined immunodeficiency due to OX40 deficiency. Last evaluated: 2024-11-04. Review status: criteria provided, single submitter. Criteria: Invitae Variant Classification Sherloc (09022015). Collection method: clinical testing. Allele origin: germline.
Comment: This sequence change replaces proline, which is neutral and non-polar, with leucine, which is neutral and non-polar, at codon 80 of the TNFRSF4 protein (p.Pro80Leu). The frequency data for this variant in the population databases is considered unreliable, as metrics indicate poor data quality at this position in the gnomAD database. This variant has not been reported in the literature in individuals affected with TNFRSF4-related conditions. ClinVar contains an entry for this variant (Variation ID: 1003348). Invitae Evidence Modeling of protein sequence and biophysical properties (such as structural, functional, and spatial information, amino acid conservation, physicochemical variation, residue mobility, and thermodynamic stability) indicates that this missense variant is not expected to disrupt TNFRSF4 protein function with a negative predictive value of 80%. In summary, the available evidence is currently insufficient to determine the role of this variant in disease. Therefore, it has been classified as a Variant of Uncertain Significance.

Ambry Genetics
Classification: Uncertain significance. Last evaluated: 2024-02-13. Review status: criteria provided, single submitter. Criteria: Ambry Variant Classification Scheme 2023. Collection method: clinical testing. Allele origin: germline.